The following is an entry in ClinVar:

NM_000235.4(LIPA):c.294C>G (p.Asn98Lys)

Gene: LIPA (lipase A, lysosomal acid type; minus strand). Cytogenetic location: 10q23.31.
Variant type: single nucleotide variant.
Coding change: c.294C>G on transcript NM_000235.4 (MANE Select); coding-DNA position 294, C replaced by G.
Protein change: p.Asn98Lys; replaces asparagine 98 with lysine.
Molecular consequence: missense variant. On other transcripts: 5 prime UTR variant (1).
Genome position (GRCh38, 1-based): chr10:89,228,334, G>C on the plus strand (C>G on the coding strand, the complement: LIPA is on the minus strand). VCF-style: chr10-89228334-G-C. GRCh37 (hg19) VCF-style: chr10-90988091-G-C.
Other names: c.294C>G, p.Asn98Lys (NM_001127605.3); c.-55C>G (NM_001288979.2); c.294C>G (NM_000235.3); short protein forms N98K.
Identifiers: ClinVar variation 501531 (VCV000501531.16), dbSNP rs767688436, ClinGen allele CA5593767.

ClinVar aggregate classification (germline): Conflicting classifications of pathogenicity. Review status: criteria provided, conflicting classifications (1 of 4 stars). 4 submissions from 4 submitters: Pathogenic (1); Likely pathogenic (2); Uncertain significance (1). Last evaluated 2025-09-08.

Conditions:
Lysosomal acid lipase deficiency. Also called: Acid cholesteryl ester hydrolase deficiency, type 2. Identifiers: Orphanet 275761, MedGen C5574740, MONDO:0800449, MONDO:0010204.
Wolman disease (WOLD). Also called: Acid cholesteryl ester hydrolase deficiency, Wolman type; Acid lipase disease; Wolman disease with hypolipoproteinemia and acanthocytosis; LYSOSOMAL ACID LIPASE DEFICIENCY, ACUTE INFANTILE; LYSOSOMAL ACID LIPASE DEFICIENCY, COMPLETE; LIPA DEFICIENCY, COMPLETE. Identifiers: Orphanet 75233, MedGen C0043208, MONDO:0019148, OMIM 620151.

Allele frequency attached by ClinVar (database versions not stated): ExAC 0.00001; gnomAD exomes 0.00001.
gnomAD v4.1: 3 of 1,614,194 alleles (0.00019%); highest among the groups gnomAD compares: Admixed American, 0.005%; no homozygotes.

Submissions (4):

Natera, Inc.
Classification: Likely pathogenic for Lysosomal acid lipase deficiency. Last evaluated: 2025-09-08. Review status: criteria provided, single submitter. Criteria: Natera Variant Classification Schema (03/2026). Collection method: clinical testing. Allele origin: germline.
Comment: The c.294C>G variant in LIPA is a missense variant predicted to cause substitution of asparagine to lysine at amino acid 98. This variant is rare in the general population with a frequency below the threshold expected for the associated phenotype(s). This variant has been observed in one or more individuals affected with the associated recessive disease, as either homozygous or compound heterozygous with a second variant (PMID: 25624737). This variant has been observed to segregate in affected family members (PMID: 25624737). Functional studies show that this variant may disrupt protein function (PMID: 29196158). Given the available evidence, this variant is classified as Likely Pathogenic.

Labcorp Genetics (formerly Invitae), Labcorp
Classification: Pathogenic for Wolman disease. Last evaluated: 2024-10-29. Review status: criteria provided, single submitter. Criteria: Invitae Variant Classification Sherloc (09022015). Collection method: clinical testing. Allele origin: germline.
Comment: This sequence change replaces asparagine, which is neutral and polar, with lysine, which is basic and polar, at codon 98 of the LIPA protein (p.Asn98Lys). This variant is present in population databases (rs767688436, gnomAD 0.009%). This missense change has been observed in individual(s) with LIPA-related conditions (PMID: 25624737). In at least one individual the data is consistent with being in trans (on the opposite chromosome) from a pathogenic variant. It has also been observed to segregate with disease in related individuals. ClinVar contains an entry for this variant (Variation ID: 501531). Invitae Evidence Modeling of protein sequence and biophysical properties (such as structural, functional, and spatial information, amino acid conservation, physicochemical variation, residue mobility, and thermodynamic stability) indicates that this missense variant is expected to disrupt LIPA protein function with a positive predictive value of 95%. Experimental studies have shown that this missense change affects LIPA function (PMID: 29196158, 31131398). For these reasons, this variant has been classified as Pathogenic.

Alexion, Astrazeneca Rare Disease, Astrazeneca
Classification: Likely pathogenic for Lysosomal acid lipase deficiency. Last evaluated: 2019-06-01. Review status: criteria provided, single submitter. Criteria: ACMG Guidelines, 2015. Collection method: research. Allele origin: germline. Affected: yes.
Comment: ACMG PS3 criterion ascertained by in-vitro functional study, PMID:31180157

Eurofins Ntd Llc (ga)
Classification: Uncertain significance. Last evaluated: 2017-04-18. Review status: criteria provided, single submitter. Criteria: EGL Classification Definitions 2015. Collection method: clinical testing. Allele origin: germline. Observed: 1 variant allele, 1 heterozygote.

Literature cited by the submitters: PubMed 25624737 (cited by 3 submitters); PubMed 29196158 (cited by Natera, Inc. and Labcorp Genetics (formerly Invitae), Labcorp); PubMed 31131398 (cited by Labcorp Genetics (formerly Invitae), Labcorp); PubMed 31180157 (cited by Alexion, Astrazeneca Rare Disease, Astrazeneca).